The following is an entry in ClinVar:

ClinVar aggregate classification (germline): Uncertain significance. Review status: criteria provided, single submitter (1 of 4 stars). 2 submissions from 2 submitters: Uncertain significance (1). 1 of the submissions does not count toward it. Last evaluated 2025-05-21.

Conditions:
Inborn genetic diseases. Identifiers: MedGen C0950123, MeSH D030342.
NBEAL2-related disorder. Also called: NBEAL2-related condition.

gnomAD v4.1: 32 of 1,609,360 alleles (0.002%); highest among the groups gnomAD compares: Middle Eastern, 0.066%; no homozygotes.

Submissions (2):

Ambry Genetics
Classification: Uncertain significance for Inborn genetic diseases. Last evaluated: 2025-05-21. Review status: criteria provided, single submitter. Criteria: Ambry Variant Classification Scheme 2023. Collection method: clinical testing. Allele origin: germline.

PreventionGenetics, part of Exact Sciences
Classification: Uncertain significance for NBEAL2-related condition. Last evaluated: 2024-09-18. Review status: no assertion criteria provided. Collection method: clinical testing. Allele origin: germline. Not counted in ClinVar's aggregate classification.
Comment: The NBEAL2 c.5321C>T variant is predicted to result in the amino acid substitution p.Ala1774Val. To our knowledge, this variant has not been reported in the literature. This variant is reported in 0.014% of alleles in individuals of African descent in gnomAD. At this time, the clinical significance of this variant is uncertain due to the absence of conclusive functional and genetic evidence.

NM_015175.3(NBEAL2):c.5321C>T (p.Ala1774Val)

Gene: NBEAL2 (neurobeachin like 2; plus strand). Cytogenetic location: 3p21.31.
Variant type: single nucleotide variant.
Coding change: c.5321C>T on transcript NM_015175.3 (MANE Select); coding-DNA position 5321, C replaced by T.
Protein change: p.Ala1774Val; replaces alanine 1774 with valine.
Molecular consequence: missense variant.
Genome position (GRCh38, 1-based): chr3:47,002,664, C>T. VCF-style: chr3-47002664-C-T. GRCh37 (hg19) VCF-style: chr3-47044154-C-T.
Other names: c.5219C>T, p.Ala1740Val (NM_001365116.2); c.5321C>T (NM_015175.1); short protein forms A1740V, A1774V.
Identifiers: ClinVar variation 3350843 (VCV003350843.2).